The following is an entry in ClinVar:

ClinVar aggregate classification (germline): Uncertain significance (1 of 4 stars; one submission).

Conditions:
Combined oxidative phosphorylation defect type 14. Also called: Combined oxidative phosphorylation deficiency 14. Identifiers: Orphanet 319519, MedGen C4755312, MONDO:0013986, OMIM 614946.

Submission:

Labcorp Genetics (formerly Invitae), Labcorp
Classification: Uncertain significance for Combined oxidative phosphorylation defect type 14. Last evaluated: 2022-07-01. Review status: criteria provided, single submitter. Criteria: Invitae Variant Classification Sherloc (09022015). Collection method: clinical testing. Allele origin: germline.
Comment: This sequence change replaces aspartic acid, which is acidic and polar, with asparagine, which is neutral and polar, at codon 211 of the FARS2 protein (p.Asp211Asn). This variant is present in population databases (no rsID available, gnomAD 0.002%). This variant has not been reported in the literature in individuals affected with FARS2-related conditions. Advanced modeling of protein sequence and biophysical properties (such as structural, functional, and spatial information, amino acid conservation, physicochemical variation, residue mobility, and thermodynamic stability) performed at Invitae indicates that this missense variant is not expected to disrupt FARS2 protein function. In summary, the available evidence is currently insufficient to determine the role of this variant in disease. Therefore, it has been classified as a Variant of Uncertain Significance.

NM_006567.5(FARS2):c.631G>A (p.Asp211Asn)

Gene: FARS2 (phenylalanyl-tRNA synthetase 2, mitochondrial; plus strand). Cytogenetic location: 6p25.1.
Variant type: single nucleotide variant.
Coding change: c.631G>A on transcript NM_006567.5 (MANE Select); coding-DNA position 631, G replaced by A.
Protein change: p.Asp211Asn; replaces aspartic acid 211 with asparagine.
Molecular consequence: missense variant. On other transcripts: 5 prime UTR variant (2).
Genome position (GRCh38, 1-based): chr6:5,404,560, G>A. VCF-style: chr6-5404560-G-A. GRCh37 (hg19) VCF-style: chr6-5404793-G-A.
Other names: c.631G>A, p.Asp211Asn (NM_001318872.2, NM_001374875.1, NM_001374876.1 and 5 more transcripts); c.-66G>A (NM_001375259.1, NM_001375260.1); short protein forms D211N.
Identifiers: ClinVar variation 1952298 (VCV001952298.2), dbSNP rs1181965936, ClinGen allele CA362735712.